The following is an entry in ClinVar:

ClinVar aggregate classification (germline): Pathogenic (1 of 4 stars; one submission).

Conditions:
Cohen syndrome (COH1). Also called: Cutis verticis gyrata, retinitis pigmentosa, and sensorineural deafness; PEPPER SYNDROME. Identifiers: Orphanet 193, MedGen C0265223, MONDO:0008999, OMIM 216550.

Submission:

Labcorp Genetics (formerly Invitae), Labcorp
Classification: Pathogenic for Cohen syndrome. Last evaluated: 2022-03-23. Review status: criteria provided, single submitter. Criteria: Invitae Variant Classification Sherloc (09022015). Collection method: clinical testing. Allele origin: germline.
Comment: For these reasons, this variant has been classified as Pathogenic. Algorithms developed to predict the effect of sequence changes on RNA splicing suggest that this variant may create or strengthen a splice site. This variant has not been reported in the literature in individuals affected with VPS13B-related conditions. This variant is not present in population databases (gnomAD no frequency). This sequence change creates a premature translational stop signal (p.Glu1072*) in the VPS13B gene. It is expected to result in an absent or disrupted protein product. Loss-of-function variants in VPS13B are known to be pathogenic (PMID: 15141358, 16648375, 20461111).

Literature cited by the submitters: PubMed 15141358; PubMed 16648375; PubMed 20461111.

NM_152564.5(VPS13B):c.3214G>T (p.Glu1072Ter)

Gene: VPS13B (vacuolar protein sorting 13 homolog B; plus strand). Cytogenetic location: 8q22.2.
Variant type: single nucleotide variant.
Coding change: c.3214G>T on transcript NM_152564.5 (MANE Select); coding-DNA position 3214, G replaced by T.
Protein change: p.Glu1072Ter; replaces glutamic acid 1072 with a stop codon.
Molecular consequence: nonsense.
Genome position (GRCh38, 1-based): chr8:99,442,404, G>T. VCF-style: chr8-99442404-G-T. GRCh37 (hg19) VCF-style: chr8-100454632-G-T.
Other names: c.3214G>T, p.Glu1072Ter (NM_017890.5); short protein forms E1072*.
Identifiers: ClinVar variation 2116379 (VCV002116379.4), dbSNP rs1370204743, ClinGen allele CA371870333.
Genomic context (GRCh38, chr8:99,442,404, plus strand): 5'-TGTTTGAAGGCATATTTAGTCTAATCCGAATATTTTAATTCTGCTTTTCTTTTCTAGCTT[G>T]AAGTACAATCTTGTTGTGTGTTTATTCCAAATGATAGCCTGCCTTCCCCAAGTACAATTG-3'